The following is an entry in ClinVar:

NM_003073.5(SMARCB1):c.1119-164G>A

Gene: SMARCB1 (SWI/SNF related BAF chromatin remodeling complex subunit B1; plus strand). Cytogenetic location: 22q11.23.
Variant type: single nucleotide variant.
Coding change: c.1119-164G>A on transcript NM_003073.5 (MANE Select); 164 bases into the intron before coding-DNA position 1119, G replaced by A.
Molecular consequence: intron variant.
Genome position (GRCh38, 1-based): chr22:23,833,977, G>A. VCF-style: chr22-23833977-G-A. GRCh37 (hg19) VCF-style: chr22-24176164-G-A.
Other names: c.1173-164G>A (NM_001362877.2); c.1146-164G>A (NM_001317946.2); c.1092-164G>A (NM_001007468.3).
Identifiers: ClinVar variation 677114 (VCV000677114.1), dbSNP rs9612483, ClinGen allele CA14993624.

ClinVar aggregate classification (germline): Benign (1 of 4 stars; one submission).

Allele frequency attached by ClinVar (database versions not stated): TOPMed 0.10827; gnomAD 0.11299 and 0.11735; 1000 Genomes Project 0.14077.
gnomAD v4.1: 17,666 of 150,196 alleles (12%); highest among the groups gnomAD compares: South Asian, 27%; 1,116 homozygotes.

Submission:

GeneDx
Classification: Benign. Last evaluated: 2018-06-20. Review status: criteria provided, single submitter. Criteria: GeneDx Variant Classification (06012015). Collection method: clinical testing. Allele origin: germline. Affected: yes.
Comment: This variant is considered likely benign or benign based on one or more of the following criteria: it is a conservative change, it occurs at a poorly conserved position in the protein, it is predicted to be benign by multiple in silico algorithms, and/or has population frequency not consistent with disease.